The following is an entry in ClinVar:

NM_000503.6(EYA1):c.1411del (p.Ile471fs)

Gene: EYA1 (EYA transcriptional coactivator and phosphatase 1; minus strand). Cytogenetic location: 8q13.3.
Variant type: Deletion.
Coding change: c.1411del on transcript NM_000503.6 (MANE Select); coding-DNA position 1411, one base deleted (A; older notation c.1411delA).
Protein change: p.Ile471fs; shifts the reading frame from isoleucine 471.
Molecular consequence: frameshift variant.
Genome position (GRCh38, 1-based): chr8:71,215,678, T deleted on the plus strand (A on the coding strand, the reverse complement: EYA1 is on the minus strand); the first of 3 consecutive T bases (chr8:71,215,678-71,215,680); deleting any one gives the same sequence. VCF-style (leftmost placement, unchanged base first): chr8-71215677-AT-A. GRCh37 (hg19) VCF-style: chr8-72127912-AT-A.
Other names: c.1393del, p.Ile465fs (NM_001288574.2, NM_172059.5); c.1045del, p.Ile349fs (NM_001288575.2); c.1498del, p.Ile500fs (NM_001370333.1); c.1411del, p.Ile471fs (NM_001370334.1, NM_001370335.1, NM_172058.4); c.1390del, p.Ile464fs (NM_001370336.1); c.1312del, p.Ile438fs (NM_001411797.1, NM_172060.4); short protein forms I349fs, I438fs, I464fs, I465fs, I471fs, I500fs.
Identifiers: ClinVar variation 3602944 (VCV003602944.1).

ClinVar aggregate classification (germline): Pathogenic (1 of 4 stars; one submission).

Submission:

GeneDx
Classification: Pathogenic. Last evaluated: 2024-08-06. Review status: criteria provided, single submitter. Criteria: GeneDx Variant Classification Process June 2021. Collection method: clinical testing. Allele origin: germline. Affected: yes.
Comment: Frameshift variant predicted to result in protein truncation or nonsense mediated decay in a gene for which loss-of-function is a known mechanism of disease; Not observed in large population cohorts (gnomAD); Has not been previously published as pathogenic or benign to our knowledge